The following is an entry in ClinVar:

ClinVar aggregate classification (germline): Conflicting classifications of pathogenicity. Review status: criteria provided, conflicting classifications (1 of 4 stars). 7 submissions from 7 submitters: Uncertain significance (5); Benign (1); Likely benign (1). Last evaluated 2025-12-03.

Conditions:
Birt-Hogg-Dube syndrome 1 (BHD1). Also called: FIBROFOLLICULOMAS WITH TRICHODISCOMAS AND ACROCHORDONS. Identifiers: Orphanet 122, MedGen CN375946, MONDO:0800445, OMIM 135150.
Birt-Hogg-Dube syndrome. Also called: Birt Hogg Dubé syndrome. Identifiers: Orphanet 122, MedGen C0346010, MONDO:0800444.
Colorectal cancer. Also called: Colorectal cancer, somatic; Malignant Colorectal Neoplasm. Identifiers: MedGen C0346629, MONDO:0005575, OMIM 114500.
Nonpapillary renal cell carcinoma. Identifiers: Orphanet 422526, MedGen CN074294, MONDO:0007763, OMIM 144700.
Familial spontaneous pneumothorax (PSP). Identifiers: Orphanet 2903, MedGen C1868193, MONDO:0008259, OMIM 173600.
17p11.2 microduplication syndrome (PTLS). Also called: CHROMOSOME 17p11.2 DUPLICATION SYNDROME; Potocki-Lupski syndrome; Duplication 17p11.2 syndrome; Potocki-Lupski syndrome (dup(17)(p11.2p11.2)). Identifiers: Orphanet 1713, MedGen C2931246, MONDO:0012574, OMIM 610883.
Hereditary cancer-predisposing syndrome. Also called: Hereditary neoplastic syndrome; Neoplastic Syndromes, Hereditary; Tumor predisposition; Hereditary Cancer Syndrome. Identifiers: Orphanet 140162, MedGen C0027672, MeSH D009386, MONDO:0015356.

Allele frequency attached by ClinVar (database versions not stated): gnomAD exomes below 0.00001 and 0.00001; ExAC 0.00001; gnomAD 0.00003; TOPMed 0.00005; 1000 Genomes Project 30x 0.00016; 1000 Genomes Project 0.00020.
gnomAD v4.1: 7 of 1,614,178 alleles (0.00043%); highest among the groups gnomAD compares: African/African-American, 0.008%; no homozygotes.

Submissions (7):

Labcorp Genetics (formerly Invitae), Labcorp
Classification: Uncertain significance for Birt-Hogg-Dube syndrome. Last evaluated: 2025-12-03. Review status: criteria provided, single submitter. Criteria: Invitae Variant Classification Sherloc (09022015). Collection method: clinical testing. Allele origin: germline.
Comment: This sequence change replaces glutamine, which is neutral and polar, with lysine, which is basic and polar, at codon 212 of the FLCN protein (p.Gln212Lys). This variant is present in population databases (rs558699420, gnomAD 0.02%). This variant has not been reported in the literature in individuals affected with FLCN-related conditions. ClinVar contains an entry for this variant (Variation ID: 460625). Invitae Evidence Modeling of protein sequence and biophysical properties (such as structural, functional, and spatial information, amino acid conservation, physicochemical variation, residue mobility, and thermodynamic stability) indicates that this missense variant is not expected to disrupt FLCN protein function with a negative predictive value of 80%. In summary, the available evidence is currently insufficient to determine the role of this variant in disease. Therefore, it has been classified as a Variant of Uncertain Significance.

Myriad Genetics, Inc.
Classification: Likely benign for Birt-Hogg-Dube syndrome 1. Last evaluated: 2024-08-26. Review status: criteria provided, single submitter. Criteria: Myriad Autosomal Dominant, Autosomal Recessive and X-Linked Classification Criteria (2023). Collection method: clinical testing. Allele origin: unknown.
Comment: This variant is considered likely benign. This variant has been observed at a population frequency that is significantly greater than expected given the associated disease prevalence and penetrance.

Ambry Genetics
Classification: Benign for Hereditary cancer-predisposing syndrome. Last evaluated: 2023-11-21. Review status: criteria provided, single submitter. Criteria: Ambry Variant Classification Scheme 2023. Collection method: clinical testing. Allele origin: germline.

Baylor Genetics
Classification: Uncertain significance for Birt-Hogg-Dube syndrome 1. Last evaluated: 2023-06-29. Review status: criteria provided, single submitter. Criteria: ACMG Guidelines, 2015. Collection method: clinical testing. Allele origin: unknown.

GeneDx
Classification: Uncertain significance. Last evaluated: 2022-08-11. Review status: criteria provided, single submitter. Criteria: GeneDx Variant Classification Process June 2021. Collection method: clinical testing. Allele origin: germline. Affected: yes.
Comment: Not observed at significant frequency in large population cohorts (gnomAD); In silico analysis supports that this missense variant does not alter protein structure/function; Has not been previously published as pathogenic or benign to our knowledge

Fulgent Genetics
Classification: Uncertain significance for Colorectal cancer; Birt-Hogg-Dube syndrome 1; Nonpapillary renal cell carcinoma; Familial spontaneous pneumothorax; 17p11.2 microduplication syndrome. Last evaluated: 2022-05-05. Review status: criteria provided, single submitter. Criteria: ACMG Guidelines, 2015. Collection method: clinical testing. Allele origin: unknown.

Sema4
Classification: Uncertain significance for Hereditary cancer-predisposing syndrome. Last evaluated: 2022-01-22. Review status: criteria provided, single submitter. Criteria: Sema4 Curation Guidelines. Collection method: curation. Allele origin: germline.
Comment: To the best of our knowledge, the FLCN c.634C>A (p.Q212K) variant has not been reported in individuals with FLCN-related disease. This variant was observed in 4/24962 chromosomes in the African/African American population, according to the Genome Aggregation Database (PMID: 32461654). This variant has been reported in ClinVar (Variation ID: 460625). Functional studies have not been performed, and in silico predictions of the variant's effect on protein function are inconclusive. The evidence is insufficient to meet ACMG/AMP criteria for classifying the variant as benign or pathogenic. Thus, the clinical significance of this variant is currently uncertain.

NM_144997.7(FLCN):c.634C>A (p.Gln212Lys)

Gene: FLCN (folliculin; minus strand). Cytogenetic location: 17p11.2.
Variant type: single nucleotide variant.
Coding change: c.634C>A on transcript NM_144997.7 (MANE Select); coding-DNA position 634, C replaced by A.
Protein change: p.Gln212Lys; replaces glutamine 212 with lysine.
Molecular consequence: missense variant.
Genome position (GRCh38, 1-based): chr17:17,222,646, G>T on the plus strand (C>A on the coding strand, the complement: FLCN is on the minus strand). VCF-style: chr17-17222646-G-T. GRCh37 (hg19) VCF-style: chr17-17125960-G-T.
Other names: c.634C>A (LRG_325t1); c.688C>A, p.Gln230Lys (NM_001353229.2); c.634C>A, p.Gln212Lys (NM_001353230.2, NM_001353231.2, NM_144606.7); short protein forms Q212K, Q230K.
Identifiers: ClinVar variation 460625 (VCV000460625.14), dbSNP rs558699420, ClinGen allele CA8416347.